The following is an entry in ClinVar:

ClinVar aggregate classification (germline): Pathogenic (1 of 4 stars; one submission).

Conditions:
Neurodegeneration with brain iron accumulation 5 (NBIA5). Also called: Beta-propeller protein-associated neurodegeneration; STATIC ENCEPHALOPATHY OF CHILDHOOD WITH NEURODEGENERATION IN ADULTHOOD. Identifiers: Orphanet 329284, MedGen C3550973, MONDO:0010476, OMIM 300894.

Submission:

MGZ Medical Genetics Center
Classification: Pathogenic for Neurodegeneration with brain iron accumulation 5. Last evaluated: 2022-02-02. Review status: criteria provided, single submitter. Criteria: ACMG Guidelines, 2015. Collection method: clinical testing. Allele origin: germline. Affected: yes. Observed: 1 variant allele.
Comment: ACMG criteria applied: PVS1, PS2_MOD, PM2_SUP

NM_001029896.2(WDR45):c.787_790dup (p.Phe264fs)

Gene: WDR45 (WD repeat domain 45; minus strand). Cytogenetic location: Xp11.23.
Variant type: Duplication.
Coding change: c.787_790dup on transcript NM_001029896.2 (MANE Select); coding-DNA positions 787 to 790, 4 bases duplicated (ATCT; older notation c.787_790dupATCT).
Protein change: p.Phe264fs; shifts the reading frame from phenylalanine 264.
Molecular consequence: frameshift variant.
Genome position (GRCh38, 1-based): chrX:49,075,401-49,075,404, AGAT duplicated on the plus strand (ATCT on the coding strand, the reverse complement: WDR45 is on the minus strand); duplicating any 4 consecutive bases within chrX:49,075,401-49,075,405 gives the same sequence; the c. name uses the placement nearest the transcript's 3' end. VCF-style (leftmost placement, unchanged base first): chrX-49075400-A-AAGAT. GRCh37 (hg19) VCF-style: chrX-48933059-A-AAGAT.
Other names: c.790_793dup, p.Phe265fs (NM_007075.4); short protein forms F264fs, F265fs.
Identifiers: ClinVar variation 1709095 (VCV001709095.2), dbSNP rs2520260876, ClinGen allele CA2580101077.